The following is an entry in ClinVar:

NM_002968.3(SALL1):c.2225_2226del (p.Ala742fs)

Gene: SALL1 (spalt like transcription factor 1; minus strand). Cytogenetic location: 16q12.1.
Variant type: Deletion.
Coding change: c.2225_2226del on transcript NM_002968.3 (MANE Select); coding-DNA positions 2225 to 2226, 2 bases deleted (CT; older notation c.2225_2226delCT).
Protein change: p.Ala742fs; shifts the reading frame from alanine 742.
Molecular consequence: frameshift variant.
Genome position (GRCh38, 1-based): chr16:51,139,996-51,139,997, AG deleted on the plus strand (CT on the coding strand, the reverse complement: SALL1 is on the minus strand). VCF-style (leftmost placement, unchanged base first): chr16-51139995-AAG-A. GRCh37 (hg19) VCF-style: chr16-51173906-AAG-A.
Other names: c.1934_1935del, p.Ala645fs (NM_001127892.2); short protein forms A645fs, A742fs.
Identifiers: ClinVar variation 2630177 (VCV002630177.1), dbSNP rs2506487918, ClinGen allele CA2695197645.

ClinVar aggregate classification (germline): Likely pathogenic (1 of 4 stars; one submission).

Conditions:
SALL1-related disorder. Also called: SALL1-related condition.

Submission:

PreventionGenetics, part of Exact Sciences
Classification: Likely pathogenic for SALL1-related condition. Last evaluated: 2023-02-21. Review status: criteria provided, single submitter. Criteria: ACMG Guidelines, 2015. Collection method: clinical testing. Allele origin: germline.
Comment: The SALL1 c.2225_2226delCT variant is predicted to result in a frameshift and premature protein termination (p.Ala742Valfs*8). To our knowledge, this variant has not been reported in the literature or in a large population database, indicating this variant is rare. Frameshift variants in SALL1 are expected to be pathogenic. This variant is interpreted as likely pathogenic.